The following is an entry in ClinVar:

ClinVar aggregate classification (germline): Uncertain significance. Review status: criteria provided, multiple submitters, no conflicts (2 of 4 stars). 2 submissions from 2 submitters: Uncertain significance (2). Last evaluated 2025-11-20.

Conditions:
Inborn genetic diseases. Identifiers: MedGen C0950123, MeSH D030342.

Allele frequency attached by ClinVar (database versions not stated): TOPMed 0.00007; ExAC 0.00048; gnomAD exomes 0.00010.
gnomAD v4.1: 172 of 1,606,564 alleles (0.011%); highest among the groups gnomAD compares: Non-Finnish European, 0.011%; 1 homozygote.

Submissions (2):

Ambry Genetics
Classification: Uncertain significance for Inborn genetic diseases. Last evaluated: 2025-11-20. Review status: criteria provided, single submitter. Criteria: Ambry Variant Classification Scheme 2023. Collection method: clinical testing. Allele origin: germline.

Labcorp Genetics (formerly Invitae), Labcorp
Classification: Uncertain significance. Last evaluated: 2025-01-21. Review status: criteria provided, single submitter. Criteria: Invitae Variant Classification Sherloc (09022015). Collection method: clinical testing. Allele origin: germline.
Comment: This sequence change replaces arginine, which is basic and polar, with leucine, which is neutral and non-polar, at codon 223 of the LTBP4 protein (p.Arg223Leu). This variant is present in population databases (rs764926563, gnomAD 0.04%), including at least one homozygous and/or hemizygous individual. This variant has not been reported in the literature in individuals affected with LTBP4-related conditions. ClinVar contains an entry for this variant (Variation ID: 2226749). Experimental studies and prediction algorithms are not available or were not evaluated, and the functional significance of this variant is currently unknown. In summary, the available evidence is currently insufficient to determine the role of this variant in disease. Therefore, it has been classified as a Variant of Uncertain Significance.

NM_001042545.2(LTBP4):c.578G>T (p.Arg193Leu)

Gene: LTBP4 (latent transforming growth factor beta binding protein 4; plus strand). Cytogenetic location: 19q13.2.
Variant type: single nucleotide variant.
Coding change: c.578G>T on transcript NM_001042545.2 (MANE Select); coding-DNA position 578, G replaced by T.
Protein change: p.Arg193Leu; replaces arginine 193 with leucine.
Molecular consequence: missense variant.
Genome position (GRCh38, 1-based): chr19:40,605,540, G>T. VCF-style: chr19-40605540-G-T. GRCh37 (hg19) VCF-style: chr19-41111446-G-T.
Other names: c.779G>T, p.Arg260Leu (NM_001042544.1); c.668G>T, p.Arg223Leu (NM_003573.2); short protein forms R193L, R223L, R260L.
Identifiers: ClinVar variation 2226749 (VCV002226749.4), dbSNP rs764926563, ClinGen allele CA9448067.